The following is an entry in ClinVar:

ClinVar aggregate classification (germline): Uncertain significance (1 of 4 stars; one submission).

Conditions:
Inborn genetic diseases. Identifiers: MedGen C0950123, MeSH D030342.

Allele frequency attached by ClinVar (database versions not stated): gnomAD exomes below 0.00001.
gnomAD v4.1: 1 of 1,613,998 alleles (0.000062%); highest among the groups gnomAD compares: Non-Finnish European, 0.000085%; no homozygotes.

Submission:

Ambry Genetics
Classification: Uncertain significance for Inborn genetic diseases. Last evaluated: 2024-07-05. Review status: criteria provided, single submitter. Criteria: Ambry Variant Classification Scheme 2023. Collection method: clinical testing. Allele origin: germline.
Comment: The p.K356Q variant (also known as c.1066A>C), located in coding exon 10 of the AKT1 gene, results from an A to C substitution at nucleotide position 1066. The lysine at codon 356 is replaced by glutamine, an amino acid with similar properties. This amino acid position is conserved. In addition, this alteration is predicted to be tolerated by in silico analysis. Since supporting evidence is limited at this time, the clinical significance of this alteration remains unclear.

NM_001382430.1(AKT1):c.1066A>C (p.Lys356Gln)

Gene: AKT1 (AKT serine/threonine kinase 1; minus strand). Cytogenetic location: 14q32.33.
Variant type: single nucleotide variant.
Coding change: c.1066A>C on transcript NM_001382430.1 (MANE Select); coding-DNA position 1066, A replaced by C.
Protein change: p.Lys356Gln; replaces lysine 356 with glutamine.
Molecular consequence: missense variant.
Genome position (GRCh38, 1-based): chr14:104,772,984, T>G on the plus strand (A>C on the coding strand, the complement: AKT1 is on the minus strand). VCF-style: chr14-104772984-T-G. GRCh37 (hg19) VCF-style: chr14-105239321-T-G.
Other names: c.1066A>C, p.Lys356Gln (NM_001014431.2, NM_001014432.2, NM_001382431.1 and 3 more transcripts); short protein forms K356Q.
Identifiers: ClinVar variation 1781772 (VCV001781772.3), dbSNP rs1335182846, ClinGen allele CA391216973.